The following is an entry in ClinVar:

ClinVar aggregate classification (germline): Uncertain significance (1 of 4 stars; one submission).

Conditions:
Familial cold autoinflammatory syndrome 3 (FCAS3). Also called: FAMILIAL ATYPICAL COLD URTICARIA; ANTIBODY DEFICIENCY AND IMMUNE DYSREGULATION, PLCG2-ASSOCIATED. Identifiers: Orphanet 300359, MedGen C3280914, MONDO:0013766, OMIM 614468.

Allele frequency attached by ClinVar (database versions not stated): ExAC 0.00002; gnomAD 0.00001; 1000 Genomes Project 30x 0.00016; 1000 Genomes Project 0.00020.
gnomAD v4.1: 4 of 1,614,174 alleles (0.00025%); highest among the groups gnomAD compares: South Asian, 0.0022%; no homozygotes.

Submission:

Labcorp Genetics (formerly Invitae), Labcorp
Classification: Uncertain significance for Familial cold autoinflammatory syndrome 3. Last evaluated: 2025-07-30. Review status: criteria provided, single submitter. Criteria: Invitae Variant Classification Sherloc (09022015). Collection method: clinical testing. Allele origin: germline.
Comment: This sequence change replaces arginine, which is basic and polar, with histidine, which is basic and polar, at codon 34 of the PLCG2 protein (p.Arg34His). This variant is present in population databases (rs537204469, gnomAD 0.006%). This variant has not been reported in the literature in individuals affected with PLCG2-related conditions. ClinVar contains an entry for this variant (Variation ID: 2727535). An algorithm developed to predict the effect of missense changes on protein structure and function (PolyPhen-2) suggests that this variant is likely to be tolerated. In summary, the available evidence is currently insufficient to determine the role of this variant in disease. Therefore, it has been classified as a Variant of Uncertain Significance.

NM_002661.5(PLCG2):c.101G>A (p.Arg34His)

Gene: PLCG2 (phospholipase C gamma 2; plus strand). Cytogenetic location: 16q23.3.
Variant type: single nucleotide variant.
Coding change: c.101G>A on transcript NM_002661.5 (MANE Select); coding-DNA position 101, G replaced by A.
Protein change: p.Arg34His; replaces arginine 34 with histidine.
Molecular consequence: missense variant.
Genome position (GRCh38, 1-based): chr16:81,786,090, G>A. VCF-style: chr16-81786090-G-A. GRCh37 (hg19) VCF-style: chr16-81819695-G-A.
Other names: c.101G>A, p.Arg34His (NM_001425749.1, NM_001425750.1, NM_001425751.1); short protein forms R34H.
Identifiers: ClinVar variation 2727535 (VCV002727535.3), dbSNP rs537204469, ClinGen allele CA8193026.